The following is an entry in ClinVar:

ClinVar aggregate classification (germline): Uncertain significance (1 of 4 stars; one submission).

Allele frequency attached by ClinVar (database versions not stated): TOPMed below 0.00001; gnomAD 0.00001; gnomAD exomes 0.00001.
gnomAD v4.1: 6 of 1,609,678 alleles (0.00037%); highest among the groups gnomAD compares: Non-Finnish European, 0.00051%; no homozygotes.

Submission:

Labcorp Genetics (formerly Invitae), Labcorp
Classification: Uncertain significance. Last evaluated: 2021-08-26. Review status: criteria provided, single submitter. Criteria: Invitae Variant Classification Sherloc (09022015). Collection method: clinical testing. Allele origin: germline.
Comment: In summary, the available evidence is currently insufficient to determine the role of this variant in disease. Therefore, it has been classified as a Variant of Uncertain Significance. Algorithms developed to predict the effect of missense changes on protein structure and function are either unavailable or do not agree on the potential impact of this missense change (SIFT: "Tolerated"; PolyPhen-2: "Possibly Damaging"; Align-GVGD: "Class C0"). This variant has not been reported in the literature in individuals with TUBGCP6-related conditions. This variant is not present in population databases (ExAC no frequency). This sequence change replaces glutamine with arginine at codon 1311 of the TUBGCP6 protein (p.Gln1311Arg). The glutamine residue is weakly conserved and there is a small physicochemical difference between glutamine and arginine.

NM_020461.4(TUBGCP6):c.3932A>G (p.Gln1311Arg)

Gene: TUBGCP6 (tubulin gamma complex component 6; minus strand). Cytogenetic location: 22q13.33.
Variant type: single nucleotide variant.
Coding change: c.3932A>G on transcript NM_020461.4 (MANE Select); coding-DNA position 3932, A replaced by G.
Protein change: p.Gln1311Arg; replaces glutamine 1311 with arginine.
Molecular consequence: missense variant.
Genome position (GRCh38, 1-based): chr22:50,220,427, T>C on the plus strand (A>G on the coding strand, the complement: TUBGCP6 is on the minus strand). VCF-style: chr22-50220427-T-C. GRCh37 (hg19) VCF-style: chr22-50658856-T-C.
Other names: short protein forms Q1311R.
Identifiers: ClinVar variation 967041 (VCV000967041.9), dbSNP rs557274172, ClinGen allele CA325511787.